The following is an entry in ClinVar:

NM_005732.4(RAD50):c.2944A>G (p.Lys982Glu)

Gene: RAD50 (RAD50 double strand break repair protein; plus strand). Cytogenetic location: 5q31.1.
Variant type: single nucleotide variant.
Coding change: c.2944A>G on transcript NM_005732.4 (MANE Select); coding-DNA position 2944, A replaced by G.
Protein change: p.Lys982Glu; replaces lysine 982 with glutamic acid.
Molecular consequence: missense variant.
Genome position (GRCh38, 1-based): chr5:132,609,304, A>G. VCF-style: chr5-132609304-A-G. GRCh37 (hg19) VCF-style: chr5-131944996-A-G.
Other names: short protein forms K982E.
Identifiers: ClinVar variation 822338 (VCV000822338.7), dbSNP rs1581004859, ClinGen allele CA360960339.

ClinVar aggregate classification (germline): Conflicting classifications of pathogenicity. Review status: criteria provided, conflicting classifications (1 of 4 stars). 2 submissions from 2 submitters: Uncertain significance (1); Likely benign (1). Last evaluated 2023-09-23.

Conditions:
Hereditary cancer-predisposing syndrome. Also called: Tumor predisposition; Hereditary Cancer Syndrome; Neoplastic Syndromes, Hereditary; Hereditary neoplastic syndrome. Identifiers: Orphanet 140162, MedGen C0027672, MeSH D009386, MONDO:0015356.

Allele frequency attached by ClinVar (database versions not stated): gnomAD exomes below 0.00001.
gnomAD v4.1: 2 of 1,612,706 alleles (0.00012%); highest among the groups gnomAD compares: Non-Finnish European, 0.00017%; no homozygotes.

Submissions (2):

Labcorp Genetics (formerly Invitae), Labcorp
Classification: Uncertain significance for Hereditary cancer-predisposing syndrome. Last evaluated: 2023-09-23. Review status: criteria provided, single submitter. Criteria: Invitae Variant Classification Sherloc (09022015). Collection method: clinical testing. Allele origin: germline.
Comment: In summary, the available evidence is currently insufficient to determine the role of this variant in disease. Therefore, it has been classified as a Variant of Uncertain Significance. Advanced modeling of protein sequence and biophysical properties (such as structural, functional, and spatial information, amino acid conservation, physicochemical variation, residue mobility, and thermodynamic stability) performed at Invitae indicates that this missense variant is not expected to disrupt RAD50 protein function. ClinVar contains an entry for this variant (Variation ID: 822338). This variant has not been reported in the literature in individuals affected with RAD50-related conditions. This variant is not present in population databases (gnomAD no frequency). This sequence change replaces lysine, which is basic and polar, with glutamic acid, which is acidic and polar, at codon 982 of the RAD50 protein (p.Lys982Glu).

Ambry Genetics
Classification: Likely benign for Hereditary cancer-predisposing syndrome. Last evaluated: 2018-11-01. Review status: criteria provided, single submitter. Criteria: Ambry Variant Classification Scheme 2023. Collection method: clinical testing. Allele origin: germline.